The following is an entry in ClinVar:

ClinVar aggregate classification (germline): Uncertain significance (1 of 4 stars; one submission).

gnomAD v4.1: 26 of 1,613,872 alleles (0.0016%); highest among the groups gnomAD compares: Non-Finnish European, 0.0022%; no homozygotes.

Submission:

Labcorp Genetics (formerly Invitae), Labcorp
Classification: Uncertain significance. Last evaluated: 2022-02-10. Review status: criteria provided, single submitter. Criteria: Invitae Variant Classification Sherloc (09022015). Collection method: clinical testing. Allele origin: germline.
Comment: This sequence change replaces threonine, which is neutral and polar, with lysine, which is basic and polar, at codon 105 of the GPAA1 protein (p.Thr105Lys). This variant is not present in population databases (gnomAD no frequency). This variant has not been reported in the literature in individuals affected with GPAA1-related conditions. Algorithms developed to predict the effect of missense changes on protein structure and function are either unavailable or do not agree on the potential impact of this missense change (SIFT: "Deleterious"; PolyPhen-2: "Benign"; Align-GVGD: "Class C0"). In summary, the available evidence is currently insufficient to determine the role of this variant in disease. Therefore, it has been classified as a Variant of Uncertain Significance.

NM_003801.4(GPAA1):c.314C>A (p.Thr105Lys)

Gene: GPAA1 (glycosylphosphatidylinositol anchor attachment 1; plus strand). Cytogenetic location: 8q24.3.
Variant type: single nucleotide variant.
Coding change: c.314C>A on transcript NM_003801.4 (MANE Select); coding-DNA position 314, C replaced by A.
Protein change: p.Thr105Lys; replaces threonine 105 with lysine.
Molecular consequence: missense variant.
Genome position (GRCh38, 1-based): chr8:144,083,448, C>A. VCF-style: chr8-144083448-C-A. GRCh37 (hg19) VCF-style: chr8-145138351-C-A.
Other names: short protein forms T105K.
Identifiers: ClinVar variation 1416602 (VCV001416602.5), dbSNP rs201424010, ClinGen allele CA372598097.
Genomic context (GRCh38, chr8:144,083,448, plus strand): 5'-GGGCTCTGCCAGTGGCCTGGCTTGAACGGACGATGCGGTCAGTAGGGCTGGAGGTCTACA[C>A]GCAGAGTTTCTCCCGGAAACTGCCCTTCCCAGATGAGACCCACGAGCGCTATGTACTGGG-3'
Protein context (NP_003792.1, residues 95-115): TMRSVGLEVY[Thr105Lys]QSFSRKLPFP